The following is an entry in ClinVar:

ClinVar aggregate classification (germline): Uncertain significance. Review status: criteria provided, multiple submitters, no conflicts (2 of 4 stars). 2 submissions from 2 submitters: Uncertain significance (2). Last evaluated 2025-09-28.

Conditions:
Hereditary cancer-predisposing syndrome. Also called: Hereditary Cancer Syndrome; Tumor predisposition; Hereditary neoplastic syndrome; Neoplastic Syndromes, Hereditary. Identifiers: Orphanet 140162, MedGen C0027672, MeSH D009386, MONDO:0015356.
DICER1-related tumor predisposition. Also called: DICER1-related pleuropulmonary blastoma cancer predisposition syndrome; DICER1 syndrome. Identifiers: Orphanet 284343, MedGen C3839822, MONDO:0100216.

Allele frequency attached by ClinVar (database versions not stated): gnomAD exomes below 0.00001.
gnomAD v4.1: 1 of 1,614,230 alleles (0.000062%); highest among the groups gnomAD compares: Non-Finnish European, 0.000085%; no homozygotes.

Submissions (2):

Ambry Genetics
Classification: Uncertain significance for Hereditary cancer-predisposing syndrome. Last evaluated: 2025-09-28. Review status: criteria provided, single submitter. Criteria: Ambry Variant Classification Scheme 2023. Collection method: clinical testing. Allele origin: germline.
Comment: The p.Y387C variant (also known as c.1160A>G), located in coding exon 7 of the DICER1 gene, results from an A to G substitution at nucleotide position 1160. The tyrosine at codon 387 is replaced by cysteine, an amino acid with highly dissimilar properties. This amino acid position is conserved. In addition, the in silico prediction for this alteration is inconclusive. Based on the available evidence, the clinical significance of this variant remains unclear.

Labcorp Genetics (formerly Invitae), Labcorp
Classification: Uncertain significance for DICER1-related tumor predisposition. Last evaluated: 2022-05-20. Review status: criteria provided, single submitter. Criteria: Invitae Variant Classification Sherloc (09022015). Collection method: clinical testing. Allele origin: germline.
Comment: In summary, the available evidence is currently insufficient to determine the role of this variant in disease. Therefore, it has been classified as a Variant of Uncertain Significance. Algorithms developed to predict the effect of missense changes on protein structure and function (SIFT, PolyPhen-2, Align-GVGD) all suggest that this variant is likely to be disruptive. This variant has not been reported in the literature in individuals affected with DICER1-related conditions. This variant is not present in population databases (gnomAD no frequency). This sequence change replaces tyrosine, which is neutral and polar, with cysteine, which is neutral and slightly polar, at codon 387 of the DICER1 protein (p.Tyr387Cys).

NM_177438.3(DICER1):c.1160A>G (p.Tyr387Cys)

Gene: DICER1 (dicer 1, ribonuclease III; minus strand). Cytogenetic location: 14q32.13.
Variant type: single nucleotide variant.
Coding change: c.1160A>G on transcript NM_177438.3 (MANE Select); coding-DNA position 1160, A replaced by G.
Protein change: p.Tyr387Cys; replaces tyrosine 387 with cysteine.
Molecular consequence: missense variant. On other transcripts: non-coding transcript variant (6), 5 prime UTR variant (1).
Genome position (GRCh38, 1-based): chr14:95,124,412, T>C on the plus strand (A>G on the coding strand, the complement: DICER1 is on the minus strand). VCF-style: chr14-95124412-T-C. GRCh37 (hg19) VCF-style: chr14-95590749-T-C.
Other names: c.1160A>G, p.Tyr387Cys (NM_001195573.1, NM_001271282.3, NM_001291628.2 and 15 more transcripts); c.878A>G, p.Tyr293Cys (NM_001395686.1); c.755A>G, p.Tyr252Cys (NM_001395687.1, NM_001395688.1, NM_001395689.1 and 3 more transcripts); c.593A>G, p.Tyr198Cys (NM_001395691.1); c.-409A>G (NM_001395697.1); short protein forms Y387C, Y293C, Y252C, Y198C.
Identifiers: ClinVar variation 1996569 (VCV001996569.5), dbSNP rs2543178576, ClinGen allele CA390886833.